The following is an entry in ClinVar:

ClinVar aggregate classification (germline): Uncertain significance (1 of 4 stars; one submission).

Submission:

Labcorp Genetics (formerly Invitae), Labcorp
Classification: Uncertain significance. Last evaluated: 2025-07-21. Review status: criteria provided, single submitter. Criteria: Invitae Variant Classification Sherloc (09022015). Collection method: clinical testing. Allele origin: germline.
Comment: This sequence change disrupts the translational stop signal of the ACAN mRNA. It is expected to extend the length of the ACAN protein by 18 additional amino acid residues. This variant is not present in population databases (gnomAD no frequency). This variant has not been reported in the literature in individuals affected with ACAN-related conditions. Experimental studies and prediction algorithms are not available or were not evaluated, and the functional significance of this variant is currently unknown. In summary, the available evidence is currently insufficient to determine the role of this variant in disease. Therefore, it has been classified as a Variant of Uncertain Significance.

NM_001369268.1(ACAN):c.7705T>G (p.Ter2569Gly)

Gene: ACAN (aggrecan; plus strand). Cytogenetic location: 15q26.1.
Variant type: single nucleotide variant.
Coding change: c.7705T>G on transcript NM_001369268.1 (MANE Select); coding-DNA position 7705, T replaced by G.
Protein change: p.Ter2569Gly.
Molecular consequence: stop lost.
Genome position (GRCh38, 1-based): chr15:88,874,479, T>G. VCF-style: chr15-88874479-T-G. GRCh37 (hg19) VCF-style: chr15-89417710-T-G.
Other names: c.7294T>G, p.Ter2432Gly (NM_001135.4); c.7477T>G, p.Ter2493Gly (NM_001411096.1); c.7591T>G, p.Ter2531Gly (NM_001411097.1, NM_013227.4).
Identifiers: ClinVar variation 4707556 (VCV004707556.1).
Genomic context (GRCh38, chr15:88,874,479, plus strand): 5'-CGCAGACTACAGAAGCGGAGCTCACGGCACCCTCGGAGGAGCCGCCCCAGCACAGCCCAC[T>G]GAGAAGAGCTTCCAGGACGCACCCAGGACGCTGAGCCCAGGAGCCTGCCAGGCTGACGTG-3'